The following is an entry in ClinVar:

ClinVar aggregate classification (germline): Likely benign (1 of 4 stars; one submission).

Allele frequency attached by ClinVar (database versions not stated): 1000 Genomes Project 0.00659; 1000 Genomes Project 30x 0.00687; gnomAD 0.00843 and 0.00909; TOPMed 0.00951.
gnomAD v4.1: 2,571 of 1,472,292 alleles (0.17%); highest among the groups gnomAD compares: African/African-American, 2.9%; 40 homozygotes.

Submission:

GeneDx
Classification: Likely benign. Last evaluated: 2018-06-14. Review status: criteria provided, single submitter. Criteria: GeneDx Variant Classification (06012015). Collection method: clinical testing. Allele origin: germline. Affected: yes.
Comment: This variant is considered likely benign or benign based on one or more of the following criteria: it is a conservative change, it occurs at a poorly conserved position in the protein, it is predicted to be benign by multiple in silico algorithms, and/or has population frequency not consistent with disease.

NM_001127222.2(CACNA1A):c.1913+112G>A

Gene: CACNA1A (calcium voltage-gated channel subunit alpha1 A; minus strand). Cytogenetic location: 19p13.13.
Variant type: single nucleotide variant.
Coding change: c.1913+112G>A on transcript NM_001127222.2 (MANE Select); 112 bases into the intron after coding-DNA position 1913, G replaced by A.
Molecular consequence: intron variant.
Genome position (GRCh38, 1-based): chr19:13,308,008, C>T on the plus strand (G>A on the coding strand, the complement: CACNA1A is on the minus strand). VCF-style: chr19-13308008-C-T. GRCh37 (hg19) VCF-style: chr19-13418822-C-T.
Other names: c.1916+112G>A (NM_001127221.2, NM_001174080.2, NM_000068.4 and 1 more transcripts).
Identifiers: ClinVar variation 677624 (VCV000677624.1), dbSNP rs149233161, ClinGen allele CA305511873.